The following is an entry in ClinVar:

ClinVar aggregate classification (germline): Likely pathogenic (1 of 4 stars; one submission).

Allele frequency attached by ClinVar (database versions not stated): gnomAD exomes below 0.00001; TOPMed 0.00001.
gnomAD v4.1: 1 of 1,613,680 alleles (0.000062%); highest among the groups gnomAD compares: Admixed American, 0.0017%; no homozygotes.

Submission:

GeneDx
Classification: Likely pathogenic. Last evaluated: 2023-05-01. Review status: criteria provided, single submitter. Criteria: GeneDx Variant Classification Process June 2021. Collection method: clinical testing. Allele origin: germline. Affected: yes.
Comment: Not observed at significant frequency in large population cohorts (gnomAD); In silico analysis supports that this missense variant has a deleterious effect on protein structure/function; Has not been previously published as pathogenic or benign to our knowledge

NM_018451.5(CPAP):c.614C>T (p.Pro205Leu)

Gene: CPAP (centrosome assembly and centriole elongation protein; minus strand). Cytogenetic location: 13q12.13.
Variant type: single nucleotide variant.
Coding change: c.614C>T on transcript NM_018451.5 (MANE Select); coding-DNA position 614, C replaced by T.
Protein change: p.Pro205Leu; replaces proline 205 with leucine.
Molecular consequence: missense variant. On other transcripts: non-coding transcript variant (2).
Genome position (GRCh38, 1-based): chr13:24,910,041, G>A on the plus strand (C>T on the coding strand, the complement: CPAP is on the minus strand). VCF-style: chr13-24910041-G-A. GRCh37 (hg19) VCF-style: chr13-25484179-G-A.
Other names: short protein forms P205L.
Identifiers: ClinVar variation 2501655 (VCV002501655.1), dbSNP rs1342519105, ClinGen allele CA387590451.
Genomic context (GRCh38, chr13:24,910,041, plus strand): 5'-TCCGGGTAGACATATGATGGGAAGCAGCATGTGGCTCTCTCTCCAGTGGTGGTATTTCCT[G>A]GAGACCTGTGCTTCTGGCTCTGATCATCAGGCAGTAAACTCAAACCTTACAATTAAGAAA-3'
Protein context (NP_060921.3, residues 195-215): PDDQSQKHRS[Pro205Leu]GNTTTGERAT